The following is an entry in ClinVar:

NM_000059.4(BRCA2):c.7681_7682insT (p.Gln2561fs)

Gene: BRCA2 (BRCA2 DNA repair associated; plus strand). Cytogenetic location: 13q13.1.
Variant type: Insertion.
Coding change: c.7681_7682insT on transcript NM_000059.4 (MANE Select); coding-DNA positions 7681 to 7682, T inserted.
Protein change: p.Gln2561fs; shifts the reading frame from glutamine 2561.
Molecular consequence: frameshift variant.
Genome position: GRCh38 VCF-style: chr13-32357805-C-CT. GRCh37 (hg19) VCF-style: chr13-32931942-C-CT.
Other names: 7909insT-ter2565; short protein forms Q2561fs.
Identifiers: ClinVar variation 52387 (VCV000052387.7), dbSNP rs397507933, ClinGen allele CA025227.

ClinVar aggregate classification (germline): Pathogenic. Review status: reviewed by expert panel (3 of 4 stars). 2 submissions from 2 submitters: Pathogenic (1). 1 of the submissions does not count toward it. Last evaluated 2016-10-18.

Conditions:
Breast-ovarian cancer, familial, susceptibility to, 2 (BROVCA2). Also called: BRCA2 Hereditary Breast and Ovarian Cancer. Identifiers: Orphanet 145, MedGen C2675520, MONDO:0012933, OMIM 612555. Disease mechanism: loss of function.

Submissions (2):

Evidence-based Network for the Interpretation of Germline Mutant Alleles (ENIGMA)
Classification: Pathogenic for Breast-ovarian cancer, familial, susceptibility to, 2. Last evaluated: 2016-10-18. Review status: reviewed by expert panel. Criteria: ENIGMA BRCA1/2 Classification Criteria (2015). Collection method: curation. Allele origin: germline.
Comment: Variant allele predicted to encode a truncated non-functional protein.

Consortium of Investigators of Modifiers of BRCA1/2 (CIMBA), c/o University of Cambridge
Classification: Pathogenic for Breast-ovarian cancer, familial, susceptibility to, 2. Last evaluated: 2015-10-02. Review status: criteria provided, single submitter. Criteria: CIMBA Mutation Classification guidelines May 2016. Collection method: clinical testing. Allele origin: germline. Not counted in ClinVar's aggregate classification.